The following is an entry in ClinVar:

NM_001104631.2(PDE4D):c.*4965G>T

Gene: PDE4D (phosphodiesterase 4D; minus strand). Cytogenetic location: 5q11.2.
Variant type: single nucleotide variant.
Coding change: c.*4965G>T on transcript NM_001104631.2 (MANE Select); 4965 bases downstream of the stop codon, G replaced by T.
Molecular consequence: 3 prime UTR variant.
Genome position (GRCh38, 1-based): chr5:58,969,699, C>A on the plus strand (G>T on the coding strand, the complement: PDE4D is on the minus strand). VCF-style: chr5-58969699-C-A. GRCh37 (hg19) VCF-style: chr5-58265526-C-A.
Other names: c.*4965G>T (NM_001165899.2, NM_001197218.2, NM_001197219.2 and 11 more transcripts).
Identifiers: ClinVar variation 353916 (VCV000353916.6), dbSNP rs11956001, ClinGen allele CA10624989.

ClinVar aggregate classification (germline): Benign. Review status: criteria provided, multiple submitters, no conflicts (2 of 4 stars). 2 submissions from 2 submitters: Benign (2). Last evaluated 2018-01-12.

Conditions:
Acrodysostosis 2 with or without hormone resistance. Also called: ACRODYSOSTOSIS 2 WITH HORMONE RESISTANCE; ACRODYSOSTOSIS 2 WITHOUT HORMONE RESISTANCE. Identifiers: Orphanet 280651, MedGen C3553250, MONDO:0013822, OMIM 614613.

Allele frequency attached by ClinVar (database versions not stated): TOPMed 0.15648; 1000 Genomes Project 0.16094; gnomAD 0.16112 and 0.16146; 1000 Genomes Project 30x 0.16505.

Submissions (2):

Illumina Laboratory Services, Illumina
Classification: Benign for Acrodysostosis 2 with or without hormone resistance. Last evaluated: 2018-01-12. Review status: criteria provided, single submitter. Criteria: ICSL Variant Classification Criteria 13 December 2019. Collection method: clinical testing. Allele origin: germline.
Comment: This variant was observed in the ICSL laboratory as part of a predisposition screen in an ostensibly healthy population. It had not been previously curated by ICSL or reported in the Human Gene Mutation Database (HGMD: prior to June 1st, 2018), and was therefore a candidate for classification through an automated scoring system. Utilizing variant allele frequency, disease prevalence and penetrance estimates, and inheritance mode, an automated score was calculated to assess if this variant is too frequent to cause the disease. Based on the score and internal cut-off values, a variant classified as benign is not then subjected to further curation. The score for this variant resulted in a classification of benign for this disease.

Breakthrough Genomics
Classification: Benign. Review status: criteria provided, single submitter. Criteria: ACMG Guidelines, 2015. Collection method: not provided. Allele origin: germline. Inheritance: Autosomal dominant inheritance. Affected: yes.